The following is an entry in ClinVar:

ClinVar aggregate classification (germline): Likely benign (0 of 4 stars; one submission).

Conditions:
SIN3B-related disorder. Also called: SIN3B-related condition.

gnomAD v4.1: 3 of 1,610,140 alleles (0.00019%); highest among the groups gnomAD compares: African/African-American, 0.0027%; no homozygotes.

Submission:

PreventionGenetics, part of Exact Sciences
Classification: Likely benign for SIN3B-related condition. Last evaluated: 2019-09-18. Review status: no assertion criteria provided. Collection method: clinical testing. Allele origin: germline.
Comment: This variant is classified as likely benign based on ACMG/AMP sequence variant interpretation guidelines (Richards et al. 2015 PMID: 25741868, with internal and published modifications).

NM_001297595.2(SIN3B):c.3162+5C>T

Gene: SIN3B (SIN3 transcription regulator family member B; plus strand). Cytogenetic location: 19p13.11.
Variant type: single nucleotide variant.
Coding change: c.3162+5C>T on transcript NM_001297595.2 (MANE Select); 5 bases into the intron after coding-DNA position 3162, C replaced by T.
Molecular consequence: intron variant.
Genome position (GRCh38, 1-based): chr19:16,878,395, C>T. VCF-style: chr19-16878395-C-T. GRCh37 (hg19) VCF-style: chr19-16989206-C-T.
Other names: c.3258+5C>T (NM_015260.4); c.1932+5C>T (NM_001297597.2).
Identifiers: ClinVar variation 3355798 (VCV003355798.1).